The following is an entry in ClinVar:

ClinVar aggregate classification (germline): Uncertain significance (1 of 4 stars; one submission).

gnomAD v4.1: 1 of 1,614,118 alleles (0.000062%); highest among the groups gnomAD compares: Middle Eastern, 0.016%; no homozygotes.

Submission:

Labcorp Genetics (formerly Invitae), Labcorp
Classification: Uncertain significance. Last evaluated: 2025-02-02. Review status: criteria provided, single submitter. Criteria: Invitae Variant Classification Sherloc (09022015). Collection method: clinical testing. Allele origin: germline.
Comment: This sequence change replaces leucine, which is neutral and non-polar, with valine, which is neutral and non-polar, at codon 648 of the TRPV6 protein (p.Leu648Val). This variant is present in population databases (no rsID available, gnomAD 0.0009%). This variant has not been reported in the literature in individuals affected with TRPV6-related conditions. Experimental studies and prediction algorithms are not available or were not evaluated, and the functional significance of this variant is currently unknown. In summary, the available evidence is currently insufficient to determine the role of this variant in disease. Therefore, it has been classified as a Variant of Uncertain Significance.

NM_018646.6(TRPV6):c.1942C>G (p.Leu648Val)

Gene: TRPV6 (transient receptor potential cation channel subfamily V member 6; minus strand). Cytogenetic location: 7q34.
Variant type: single nucleotide variant.
Coding change: c.1942C>G on transcript NM_018646.6 (MANE Select); coding-DNA position 1942, C replaced by G.
Protein change: p.Leu648Val; replaces leucine 648 with valine.
Molecular consequence: missense variant.
Genome position (GRCh38, 1-based): chr7:142,872,445, G>C on the plus strand (C>G on the coding strand, the complement: TRPV6 is on the minus strand). VCF-style: chr7-142872445-G-C. GRCh37 (hg19) VCF-style: chr7-142570198-G-C.
Other names: short protein forms L648V.
Identifiers: ClinVar variation 3718676 (VCV003718676.2).